The following is an entry in ClinVar:

NM_000156.6(GAMT):c.571G>A (p.Glu191Lys)

Gene: GAMT (guanidinoacetate N-methyltransferase; minus strand). Cytogenetic location: 19p13.3.
Variant type: single nucleotide variant.
Coding change: c.571G>A on transcript NM_000156.6 (MANE Select); coding-DNA position 571, G replaced by A.
Protein change: p.Glu191Lys; replaces glutamic acid 191 with lysine.
Molecular consequence: missense variant.
Genome position (GRCh38, 1-based): chr19:1,397,499, C>T on the plus strand (G>A on the coding strand, the complement: GAMT is on the minus strand). VCF-style: chr19-1397499-C-T. GRCh37 (hg19) VCF-style: chr19-1397498-C-T.
Other names: NM_000156.6:c.571G>A; short protein forms E191K.
Identifiers: ClinVar variation 2683726 (VCV002683726.2), dbSNP rs2512221521, ClinGen allele CA402991093.
Genomic context (GRCh38, chr19:1,397,499, plus strand): 5'-CCTCCGTACGGATGTTCTCCCTCCGGAAGCCGGCCTCCAGCAGCGCGGGCACCTGCGTCT[C>T]CTGGTCGGGGATGGCACCAGGTCACCTCTGAGGGCCATGGGGGTCACGTGCACCCTGGCG-3'
Protein context (NP_000147.1, residues 181-201): KYSDITIMFE[Glu191Lys]TQVPALLEAG

ClinVar aggregate classification (germline): Uncertain significance (3 of 4 stars; one submission).

Conditions:
Deficiency of guanidinoacetate methyltransferase (CCDS2). Also called: Guanidinoacetate Methyltransferase (GAMT) Deficiency; GAMT DEFICIENCY; CEREBRAL CREATINE DEFICIENCY SYNDROME 2. Identifiers: Orphanet 382, MedGen C0574080, MONDO:0012999, OMIM 612736.

Submission:

ClinGen Cerebral Creatine Deficiency Syndromes Variant Curation Expert Panel, ClinGen
Classification: Uncertain significance for Deficiency of guanidinoacetate methyltransferase. Last evaluated: 2026-04-20. Review status: reviewed by expert panel. Criteria: ClinGen CCDS ACMG Specifications GAMT V2.0.0. Collection method: curation. Allele origin: germline. Inheritance: Autosomal recessive inheritance.
Comment: The NM_000156.6:c.571G>A variant in GAMT is a missense variant predicted to cause substitution of a glutamic acid for a lysine at position 191 (p.Glu191Lys). To our knowledge, this variant has not been reported in the literature and results of functional studies are unavailable. This variant is absent in gnomAD v4.1.0. (PM2_Supporting). The computational predictor REVEL gives a score of 0.624 which is neither above nor below the thresholds predicting a damaging (>0.75) or benign (<0.5) impact on GAMT function.. The impact on GAMT function is unclear. There is no ClinVar entry for this variant. In summary, this variant meets the criteria to be classified as a variant of uncertain significance for GAMT deficiency based on the GAMT-specific ACMG/AMP criteria applied, as specified by the ClinGen Cerebral Creatine Deficiency Syndromes Variant Curation Expert Panel (Specifications Version 2.0.0): PM2_Supporting. (Classification approved by the ClinGen Cerebral Creatine Deficiency Syndromes Variant Curation Expert Panel on April 20, 2026)